The following is an entry in ClinVar:

ClinVar aggregate classification (germline): Uncertain significance (1 of 4 stars; one submission).

gnomAD v4.1: 6 of 1,613,602 alleles (0.00037%); highest among the groups gnomAD compares: Admixed American, 0.0017%; no homozygotes.

Submission:

Labcorp Genetics (formerly Invitae), Labcorp
Classification: Uncertain significance. Last evaluated: 2025-09-17. Review status: criteria provided, single submitter. Criteria: Invitae Variant Classification Sherloc (09022015). Collection method: clinical testing. Allele origin: germline.
Comment: This sequence change falls in intron 10 of the ADAMTS13 gene. It does not directly change the encoded amino acid sequence of the ADAMTS13 protein. This variant is present in population databases (rs781816170, gnomAD 0.003%). This variant has not been reported in the literature in individuals affected with ADAMTS13-related conditions. Algorithms developed to predict the effect of sequence changes on RNA splicing suggest that this variant may create or strengthen a splice site. In summary, the available evidence is currently insufficient to determine the role of this variant in disease. Therefore, it has been classified as a Variant of Uncertain Significance.

NM_139027.6(ADAMTS13):c.1244+12A>T

Gene: ADAMTS13 (ADAM metallopeptidase with thrombospondin type 1 motif 13; plus strand). Cytogenetic location: 9q34.2.
Variant type: single nucleotide variant.
Coding change: c.1244+12A>T on transcript NM_139027.6 (MANE Select); 12 bases into the intron after coding-DNA position 1244, A replaced by T.
Molecular consequence: intron variant.
Genome position (GRCh38, 1-based): chr9:133,433,541, A>T. VCF-style: chr9-133433541-A-T. GRCh37 (hg19) VCF-style: chr9-136298661-A-T.
Other names: c.1244+12A>T (NM_139025.5); c.1151+12A>T (NM_139026.6).
Identifiers: ClinVar variation 4763790 (VCV004763790.1).